The following is an entry in ClinVar:

ClinVar aggregate classification (germline): Conflicting classifications of pathogenicity. Review status: criteria provided, conflicting classifications (1 of 4 stars). 3 submissions from 3 submitters: Uncertain significance (2); Likely benign (1). Last evaluated 2024-01-20.

Conditions:
Hereditary cancer-predisposing syndrome. Also called: Hereditary neoplastic syndrome; Tumor predisposition; Neoplastic Syndromes, Hereditary; Hereditary Cancer Syndrome. Identifiers: Orphanet 140162, MedGen C0027672, MeSH D009386, MONDO:0015356.
Hereditary breast ovarian cancer syndrome. Also called: Hereditary breast and ovarian cancer syndrome; Breast and ovarian cancer; Hereditary breast and ovarian cancer; Hereditary breast and/or ovarian cancer syndrome; Hereditary breast and ovarian cancer syndrome (HBOC); BRCA1- and BRCA2-Associated Hereditary Breast and Ovarian Cancer. Identifiers: Orphanet 145, MedGen C0677776, MeSH D061325, MONDO:0003582. Disease mechanism: loss of function.

Submissions (3):

Labcorp Genetics (formerly Invitae), Labcorp
Classification: Uncertain significance for Hereditary breast ovarian cancer syndrome. Last evaluated: 2024-01-20. Review status: criteria provided, single submitter. Criteria: Invitae Variant Classification Sherloc (09022015). Collection method: clinical testing. Allele origin: germline.
Comment: This sequence change replaces glycine, which is neutral and non-polar, with alanine, which is neutral and non-polar, at codon 715 of the BRCA2 protein (p.Gly715Ala). This variant is not present in population databases (gnomAD no frequency). This variant has not been reported in the literature in individuals affected with BRCA2-related conditions. ClinVar contains an entry for this variant (Variation ID: 570399). Advanced modeling of protein sequence and biophysical properties (such as structural, functional, and spatial information, amino acid conservation, physicochemical variation, residue mobility, and thermodynamic stability) performed at Invitae indicates that this missense variant is not expected to disrupt BRCA2 protein function with a negative predictive value of 95%. In summary, the available evidence is currently insufficient to determine the role of this variant in disease. Therefore, it has been classified as a Variant of Uncertain Significance.

University of Washington Department of Laboratory Medicine, University of Washington
Classification: Likely benign for Hereditary cancer-predisposing syndrome. Last evaluated: 2023-03-23. Review status: criteria provided, single submitter. Criteria: Dines et al. (Genet Med. 2020). Collection method: curation. Allele origin: germline.
Comment: Missense variant in a coldspot region where missense variants are very unlikely to be pathogenic (PMID:31911673).

BRCA2 exon 11 coldspot. Reclassification based on statistical prior probability.

GeneDx
Classification: Uncertain significance. Last evaluated: 2019-07-17. Review status: criteria provided, single submitter. Criteria: GeneDx Variant Classification Process June 2021. Collection method: clinical testing. Allele origin: germline. Affected: yes.
Comment: Not observed in large population cohorts (Lek et al., 2016); In silico analysis, which includes protein predictors and evolutionary conservation, supports that this variant does not alter protein structure/function; Has not been previously published as pathogenic or benign to our knowledge

NM_000059.4(BRCA2):c.2144G>C (p.Gly715Ala)

Gene: BRCA2 (BRCA2 DNA repair associated; plus strand). Cytogenetic location: 13q13.1.
Variant type: single nucleotide variant.
Coding change: c.2144G>C on transcript NM_000059.4 (MANE Select); coding-DNA position 2144, G replaced by C.
Protein change: p.Gly715Ala; replaces glycine 715 with alanine.
Molecular consequence: missense variant.
Genome position (GRCh38, 1-based): chr13:32,336,499, G>C. VCF-style: chr13-32336499-G-C. GRCh37 (hg19) VCF-style: chr13-32910636-G-C.
Other names: short protein forms G715A.
Identifiers: ClinVar variation 570399 (VCV000570399.12), dbSNP rs1566226193, ClinGen allele CA387770150.
Genomic context (GRCh38, chr13:32,336,499, plus strand): 5'-AGGAAAAACTACAGTTATTTATTACCCCAGAAGCTGATTCTCTGTCATGCCTGCAGGAAG[G>C]ACAGTGTGAAAATGATCCAAAAAGCAAAAAAGTTTCAGATATAAAAGAAGAGGTCTTGGC-3'
Protein context (NP_000050.3, residues 705-725): EADSLSCLQE[Gly715Ala]QCENDPKSKK